The following is an entry in ClinVar:

ClinVar aggregate classification (germline): Uncertain significance. Review status: criteria provided, multiple submitters, no conflicts (2 of 4 stars). 3 submissions from 3 submitters: Uncertain significance (3). Last evaluated 2026-03-01.

Conditions:
Renal cyst. Also called: Renal cysts; cystic kidneys; Cystic kidney disease. Identifiers: MedGen C3887499, MONDO:0002473, HP:0000107.
Polycystic kidney disease, adult type (PKD1). Also called: Polycystic Kidney Disease 1, Autosomal Dominant; Polycystic kidney disease 1; Polycystic kidney disease 1, severe; Polycystic Kidney, Autosomal Dominant; POLYCYSTIC KIDNEY DISEASE, ADULT, TYPE I; POLYCYSTIC KIDNEY DISEASE 1 WITH OR WITHOUT POLYCYSTIC LIVER DISEASE. Identifiers: MedGen C3149841, MONDO:0008263, OMIM 173900.

Submissions (3):

Victorian Clinical Genetics Services, Murdoch Childrens Research Institute
Classification: Uncertain significance for Polycystic kidney disease, adult type. Last evaluated: 2026-03-01. Review status: criteria provided, single submitter. Criteria: ACMG Guidelines, 2015. Collection method: clinical testing. Allele origin: germline. Affected: yes.
Comment: This variant is classified as VUS-3B. Evidence in support of pathogenic classification: Variant is absent from gnomAD (v2, v3 and v4). Additional information: Variant is predicted to result in a missense amino acid change from Thr to Arg; This variant is heterozygous; This gene is associated with autosomal dominant disease. Polycystic kidney disease 1 (MIM#173900) is predominantly caused by monoallelic variants, with rare reports of biallelic variants causing disease (OMIM); Alternative amino acid change(s) at the same position are present in gnomAD (highest allele count: v4: 15 heterozygote(s), 0 homozygote(s)); Previous evidence of pathogenicity for this variant is inconclusive. This variant has been classified as a VUS by clinical laboratories in ClinVar. - No published evidence of segregation with disease has been identified for this variant; No published functional evidence has been identified for this variant; Other missense variant(s) comparable to the one identified in this case have conflicting previous evidence for pathogenicity. p.(Thr1570Ala) has been classified as a VUS, and p.(Thr1570Met) has been classified as pathogenic and as a VUS by clinical laboratories in ClinVar. p.(Thr1570Met) has also been reported in the literature in two compound heterozygous or homozygous individuals with apparently recessive severe early onset cystic kidney disease, with the homozygous individual harbouring another homozygous missense variant in cis (PMIDs: 20558538, 34249099). In one family, heterozygous parents were unaffected; however, a heterozygous grandfather had ADPKD (PMID: 20558538). One individual with renal cysts heterozygous for p.(Thr1570Met) has also been reported in the literature (PMID: 37353797); Variant is located in the annotated PKD domain (DECIPHER). - Missense variant with inconclusive in silico prediction and/or uninformative conservation; Loss of function is a known mechanism of disease in this gene and is associated with polycystic kidney disease 1 (MIM#173900); Inheritance information for this variant is not currently available in this individual.

Fulgent Genetics
Classification: Uncertain significance for Polycystic kidney disease, adult type. Last evaluated: 2024-04-10. Review status: criteria provided, single submitter. Criteria: ACMG Guidelines, 2015. Collection method: clinical testing. Allele origin: germline.

Cambridge Genomics Laboratory, East Genomic Laboratory Hub, NHS Genomic Medicine Service
Classification: Uncertain significance for Renal cyst. Last evaluated: 2019-05-21. Review status: criteria provided, single submitter. Criteria: ACGS Best Practice Guidelines for Variant Classification in Rare Disease 2020. Collection method: clinical testing. Allele origin: germline. Affected: yes. Observed: 1 variant allele.

Literature cited by the submitters: PubMed 20558538 (cited by Victorian Clinical Genetics Services, Murdoch Childrens Research Institute); PubMed 37353797 (cited by Victorian Clinical Genetics Services, Murdoch Childrens Research Institute); PubMed 34249099 (cited by Victorian Clinical Genetics Services, Murdoch Childrens Research Institute).

NM_001009944.3(PKD1):c.4709C>G (p.Thr1570Arg)

Gene: PKD1 (polycystin 1, transient receptor potential channel interacting; minus strand). Cytogenetic location: 16p13.3.
Variant type: single nucleotide variant.
Coding change: c.4709C>G on transcript NM_001009944.3 (MANE Select); coding-DNA position 4709, C replaced by G.
Protein change: p.Thr1570Arg; replaces threonine 1570 with arginine.
Molecular consequence: missense variant.
Genome position (GRCh38, 1-based): chr16:2,110,458, G>C on the plus strand (C>G on the coding strand, the complement: PKD1 is on the minus strand). VCF-style: chr16-2110458-G-C. GRCh37 (hg19) VCF-style: chr16-2160459-G-C.
Other names: c.4709C>G, p.Thr1570Arg (NM_000296.4); short protein forms T1570R.
Identifiers: ClinVar variation 3579494 (VCV003579494.4).
Genomic context (GRCh38, chr16:2,110,458, plus strand): 5'-GGCGTGCAGCGGTCACAGAGCACCCAGGAATAGCGCACATCACTGCCGGCCTCCAGCGAC[G>C]TGCTGAAGCTCACGCTCCCATTCAGGGGCACCACCGTGCGGCTTGCATTGACGACGAGCC-3'
Protein context (NP_001009944.3, residues 1560-1580): VPLNGSVSFS[Thr1570Arg]SLEAGSDVRY